The following is an entry in ClinVar:

NM_001371533.1(FUT8):c.868G>A (p.Glu290Lys)

Gene: FUT8 (fucosyltransferase 8; plus strand). Cytogenetic location: 14q23.3.
Variant type: single nucleotide variant.
Coding change: c.868G>A on transcript NM_001371533.1 (MANE Select); coding-DNA position 868, G replaced by A.
Protein change: p.Glu290Lys; replaces glutamic acid 290 with lysine.
Molecular consequence: missense variant.
Genome position (GRCh38, 1-based): chr14:65,721,807, G>A. VCF-style: chr14-65721807-G-A. GRCh37 (hg19) VCF-style: chr14-66188525-G-A.
Other names: c.868G>A, p.Glu290Lys (NM_001371534.1, NM_178155.3, NM_178156.2); c.970G>A, p.Glu324Lys (NM_001371536.1); c.379G>A, p.Glu127Lys (NM_004480.4); short protein forms E324K, E127K, E290K.
Identifiers: ClinVar variation 2894265 (VCV002894265.3), dbSNP rs375771875, ClinGen allele CA7233340.

ClinVar aggregate classification (germline): Uncertain significance (1 of 4 stars; one submission).

Allele frequency attached by ClinVar (database versions not stated): gnomAD exomes 0.00001; ExAC 0.00002; ESP Exome Variant Server 0.00008.
gnomAD v4.1: 16 of 1,614,126 alleles (0.00099%); highest among the groups gnomAD compares: Admixed American, 0.0033%; no homozygotes.

Submission:

Labcorp Genetics (formerly Invitae), Labcorp
Classification: Uncertain significance. Last evaluated: 2024-03-11. Review status: criteria provided, single submitter. Criteria: Invitae Variant Classification Sherloc (09022015). Collection method: clinical testing. Allele origin: germline.
Comment: This sequence change replaces glutamic acid, which is acidic and polar, with lysine, which is basic and polar, at codon 290 of the FUT8 protein (p.Glu290Lys). This variant is present in population databases (rs375771875, gnomAD 0.01%). This variant has not been reported in the literature in individuals affected with FUT8-related conditions. Advanced modeling of protein sequence and biophysical properties (such as structural, functional, and spatial information, amino acid conservation, physicochemical variation, residue mobility, and thermodynamic stability) performed at Invitae indicates that this missense variant is not expected to disrupt FUT8 protein function with a negative predictive value of 80%. In summary, the available evidence is currently insufficient to determine the role of this variant in disease. Therefore, it has been classified as a Variant of Uncertain Significance.